The following is an entry in ClinVar:

ClinVar aggregate classification (germline): Conflicting classifications of pathogenicity. Review status: criteria provided, conflicting classifications (1 of 4 stars). 6 submissions from 6 submitters: Uncertain significance (5); Likely benign (1). Last evaluated 2026-07-07.

Conditions:
RFX6-related disorder. Also called: RFX6-related condition.
Monogenic diabetes. Identifiers: Orphanet 183625, MedGen C3888631, MONDO:0015967.

Allele frequency attached by ClinVar (database versions not stated): gnomAD 0.00053 and 0.00054; TOPMed 0.00057; 1000 Genomes Project 0.00060; 1000 Genomes Project 30x 0.00062; ESP Exome Variant Server 0.00077.
gnomAD v4.1: 1,072 of 1,612,872 alleles (0.066%); highest among the groups gnomAD compares: Non-Finnish European, 0.083%; 1 homozygote.

Submissions (6):

PreventionGenetics, part of Exact Sciences
Classification: Uncertain significance for RFX6-related condition. Last evaluated: 2026-07-07. Review status: criteria provided, single submitter. Criteria: ACMG Guidelines, 2015. Collection method: clinical testing. Allele origin: germline.
Comment: The RFX6 c.62C>A variant is predicted to result in the amino acid substitution p.Ser21Tyr. To our knowledge, this variant has not been reported in the literature. This variant is reported in 0.10% of alleles in individuals of European (Non-Finnish) descent in gnomAD, including a homozygous individual. Although we suspect that this variant may be benign, at this time, the clinical significance of this variant is uncertain due to the absence of conclusive functional and genetic evidence.

CeGaT Center for Human Genetics Tuebingen
Classification: Likely benign. Last evaluated: 2026-06-01. Review status: criteria provided, single submitter. Criteria: CeGaT Center For Human Genetics Tuebingen Variant Classification Criteria Version 2. Collection method: clinical testing. Allele origin: germline. Affected: yes. Observed: 1 variant allele.
Comment: RFX6: BP4

GeneDx
Classification: Uncertain significance. Last evaluated: 2025-07-29. Review status: criteria provided, single submitter. Criteria: GeneDx Variant Classification Process June 2021. Collection method: clinical testing. Allele origin: germline.
Comment: In silico analysis suggests that this missense variant does not alter protein structure/function; Has not been previously published as pathogenic or benign to our knowledge

Labcorp Genetics (formerly Invitae), Labcorp
Classification: Uncertain significance. Last evaluated: 2024-10-24. Review status: criteria provided, single submitter. Criteria: Invitae Variant Classification Sherloc (09022015). Collection method: clinical testing. Allele origin: germline.
Comment: This sequence change replaces serine, which is neutral and polar, with tyrosine, which is neutral and polar, at codon 21 of the RFX6 protein (p.Ser21Tyr). This variant is present in population databases (rs146773792, gnomAD 0.1%), including at least one homozygous and/or hemizygous individual. This variant has not been reported in the literature in individuals affected with RFX6-related conditions. ClinVar contains an entry for this variant (Variation ID: 917470). An algorithm developed to predict the effect of missense changes on protein structure and function (PolyPhen-2) suggests that this variant¬†is likely to be tolerated. In summary, the available evidence is currently insufficient to determine the role of this variant in disease. Therefore, it has been classified as a Variant of Uncertain Significance.

Personalized Diabetes Medicine Program, University of Maryland School of Medicine
Classification: Uncertain significance for Monogenic diabetes. Last evaluated: 2018-07-27. Review status: criteria provided, single submitter. Criteria: ACMG Guidelines, 2015. Collection method: research. Allele origin: unknown. Observed: 1 variant allele, 1 heterozygote.
Comment: ACMG criteria: BP4 (REVEL score 0.081 + BP4 (9 predictors); not using PP3 (2 predictors))

Breakthrough Genomics
Classification: Uncertain significance. Review status: criteria provided, single submitter. Criteria: ACMG Guidelines, 2015. Collection method: not provided. Allele origin: germline. Inheritance: Autosomal recessive inheritance. Affected: yes.

NM_173560.4(RFX6):c.62C>A (p.Ser21Tyr)

Genes: RFX6 (regulatory factor X6; plus strand), LOC127407129 (RFX6 promoter region; plus strand). Cytogenetic location: 6q22.1.
Variant type: single nucleotide variant.
Coding change: c.62C>A on transcript NM_173560.4 (MANE Select); coding-DNA position 62, C replaced by A.
Protein change: p.Ser21Tyr; replaces serine 21 with tyrosine.
Molecular consequence: missense variant.
Genome position (GRCh38, 1-based): chr6:116,877,337, C>A. VCF-style: chr6-116877337-C-A. GRCh37 (hg19) VCF-style: chr6-117198500-C-A.
Other names: c.62C>A (NM_173560.3); short protein forms S21Y.
Identifiers: ClinVar variation 917470 (VCV000917470.12), dbSNP rs146773792, ClinGen allele CA3972924.
Genomic context (GRCh38, chr6:116,877,337, plus strand): 5'-TGGCCAAGGTCCCGGAGCTGGAAGACACCTTCCTGCAGGCGCAGCCTGCGCCCCAACTGT[C>A]CCCGGGGATCCAGGAAGACTGCTGTGTGCAGCTCCTGGGCAAGGGCTTGCTAGTCTATCC-3'
Protein context (NP_775831.2, residues 11-31): FLQAQPAPQL[Ser21Tyr]PGIQEDCCVQ